The following is an entry in ClinVar:

ClinVar aggregate classification (germline): Benign/Likely benign. Review status: criteria provided, multiple submitters, no conflicts (2 of 4 stars). 3 submissions from 3 submitters: Benign (1); Likely benign (2). Last evaluated 2025-06-18.

Conditions:
Hereditary cancer-predisposing syndrome. Also called: Neoplastic Syndromes, Hereditary; Hereditary Cancer Syndrome; Tumor predisposition; Hereditary neoplastic syndrome. Identifiers: Orphanet 140162, MedGen C0027672, MeSH D009386, MONDO:0015356.
Familial cancer of breast. Also called: BREAST CANCER, FAMILIAL; hereditary breast carcinoma; Hereditary breast cancer. Identifiers: Orphanet 227535, MedGen C0346153, MONDO:0016419, OMIM 114480. Disease mechanism: loss of function.
Ataxia-telangiectasia syndrome (AT). Also called: LOUIS-BAR SYNDROME; ATAXIA-TELANGIECTASIA, COMPLEMENTATION GROUP A; Ataxia-telangiectasia, complementation group D; AT, COMPLEMENTATION GROUP C; Ataxia-telangiectasia, complementation group E; Ataxia-telangiectasia. Identifiers: Orphanet 100, MedGen C0004135, MONDO:0008840, OMIM 208900.

Allele frequency attached by ClinVar (database versions not stated): gnomAD exomes below 0.00001.
gnomAD v4.1: 2 of 1,613,876 alleles (0.00012%); highest among the groups gnomAD compares: Non-Finnish European, 0.00017%; no homozygotes.

Submissions (3):

Labcorp Genetics (formerly Invitae), Labcorp
Classification: Likely benign for Ataxia-telangiectasia syndrome. Last evaluated: 2025-06-18. Review status: criteria provided, single submitter. Criteria: Invitae Variant Classification Sherloc (09022015). Collection method: clinical testing. Allele origin: germline.

Myriad Genetics, Inc.
Classification: Benign for Familial cancer of breast. Last evaluated: 2024-04-23. Review status: criteria provided, single submitter. Criteria: Myriad Autosomal Dominant, Autosomal Recessive and X-Linked Classification Criteria (2023). Collection method: clinical testing. Allele origin: unknown.
Comment: This variant is considered benign. This variant is a silent/synonymous amino acid change and it is not expected to impact splicing.

Ambry Genetics
Classification: Likely benign for Hereditary cancer-predisposing syndrome. Last evaluated: 2023-06-01. Review status: criteria provided, single submitter. Criteria: Ambry Variant Classification Scheme 2023. Collection method: clinical testing. Allele origin: germline.

NM_000051.4(ATM):c.738C>T (p.Asn246=)

Gene: ATM (ATM serine/threonine kinase; plus strand). Cytogenetic location: 11q22.3.
Variant type: single nucleotide variant.
Coding change: c.738C>T on transcript NM_000051.4 (MANE Select); coding-DNA position 738, C replaced by T.
Protein change: p.Asn246=; no amino-acid change (asparagine 246 retained).
Molecular consequence: synonymous variant.
Genome position (GRCh38, 1-based): chr11:108,244,863, C>T. VCF-style: chr11-108244863-C-T. GRCh37 (hg19) VCF-style: chr11-108115590-C-T.
Other names: c.738C>T, p.Asn246= (NM_001351834.2).
Identifiers: ClinVar variation 2568243 (VCV002568243.6), dbSNP rs1335108218, ClinGen allele CA476744677.